The following is an entry in ClinVar:

ClinVar aggregate classification (germline): Uncertain significance (1 of 4 stars; one submission).

Submission:

Women's Health and Genetics/Laboratory Corporation of America, LabCorp
Classification: Uncertain significance. Last evaluated: 2024-07-30. Review status: criteria provided, single submitter. Criteria: LabCorp Variant Classification Summary - May 2015. Collection method: clinical testing. Allele origin: germline.
Comment: Variant summary: TBX6 c.1288G>A (p.Val430Met) results in a conservative amino acid change in the encoded protein sequence. Five of five in-silico tools predict a benign effect of the variant on protein function. The variant was absent in 249216 control chromosomes. The available data on variant occurrences in the general population are insufficient to allow any conclusion about variant significance. To our knowledge, no occurrence of c.1288G>A in individuals affected with Spondylocostal Dysostosis 5 and no experimental evidence demonstrating its impact on protein function have been reported. No submitters have cited clinical-significance assessments for this variant to ClinVar. Based on the evidence outlined above, the variant was classified as uncertain significance.

NM_004608.4(TBX6):c.1288G>A (p.Val430Met)

Gene: TBX6 (T-box transcription factor 6; minus strand). Cytogenetic location: 16p11.2.
Variant type: single nucleotide variant.
Coding change: c.1288G>A on transcript NM_004608.4 (MANE Select); coding-DNA position 1288, G replaced by A.
Protein change: p.Val430Met; replaces valine 430 with methionine.
Molecular consequence: missense variant.
Genome position (GRCh38, 1-based): chr16:30,086,248, C>T on the plus strand (G>A on the coding strand, the complement: TBX6 is on the minus strand). VCF-style: chr16-30086248-C-T. GRCh37 (hg19) VCF-style: chr16-30097569-C-T.
Other names: short protein forms V430M.
Identifiers: ClinVar variation 3339236 (VCV003339236.1).